The following is an entry in ClinVar:

NM_001164508.2(NEB):c.13210_13211del (p.Ile4403_Val4404insTer)

Gene: NEB (nebulin; minus strand). Cytogenetic location: 2q23.3.
Variant type: Deletion.
Coding change: c.13210_13211del on transcript NM_001164508.2 (MANE Select); coding-DNA positions 13210 to 13211, 2 bases deleted (GT; older notation c.13210_13211delGT).
Protein change: p.Ile4403_Val4404insTer.
Molecular consequence: nonsense. On other transcripts: intron variant (1).
Genome position (GRCh38, 1-based): chr2:151,603,621-151,603,622, AC deleted on the plus strand (GT on the coding strand, the reverse complement: NEB is on the minus strand); deleting any 2 consecutive bases within chr2:151,603,621-151,603,623 gives the same sequence; the c. name uses the placement nearest the transcript's 3' end. VCF-style (leftmost placement, unchanged base first): chr2-151603620-AAC-A. GRCh37 (hg19) VCF-style: chr2-152460134-AAC-A.
Other names: c.13210_13211del, p.Ile4403_Val4404insTer (NM_001164507.2, NM_001271208.2); c.11601+6187_11601+6188del (NM_004543.5).
Identifiers: ClinVar variation 3642481 (VCV003642481.2).

ClinVar aggregate classification (germline): Pathogenic (1 of 4 stars; one submission).

Conditions:
Nemaline myopathy 2 (NEM2). Also called: Nemaline myopathy 2, autosomal recessive. Identifiers: MedGen C1850569, MONDO:0009725, OMIM 256030.

Submission:

Labcorp Genetics (formerly Invitae), Labcorp
Classification: Pathogenic for Nemaline myopathy 2. Last evaluated: 2024-02-22. Review status: criteria provided, single submitter. Criteria: Invitae Variant Classification Sherloc (09022015). Collection method: clinical testing. Allele origin: germline.
Comment: This variant occurs in a region of NEB (Exons 82-105) consisting of three highly homologous 8-exon repeat units (exons 82-89, exons 90-97, exons 98-105). Sequence variants in this region can be detected, but this assay cannot determine which of the three repeat units is affected, and zygosity is often ambiguous. All variants in this region are reported relative to the exon 82-89 repeat. This sequence change creates a premature translational stop signal (p.Val4404*) in the NEB gene. It is expected to result in an absent or disrupted protein product. Loss-of-function variants in NEB are known to be pathogenic (PMID: 25205138). The frequency data for this variant in the population databases (gnomAD) is considered unreliable due to the presence of homologous sequence, such as pseudogenes or paralogs, in the genome. This variant has not been reported in the literature in individuals affected with NEB-related conditions. For these reasons, this variant has been classified as Pathogenic.

Literature cited by the submitters: PubMed 25205138.